The following is an entry in ClinVar:

NM_022089.4(ATP13A2):c.2529+1G>A

Gene: ATP13A2 (ATPase cation transporting 13A2; minus strand). Cytogenetic location: 1p36.13.
Variant type: single nucleotide variant.
Coding change: c.2529+1G>A on transcript NM_022089.4 (MANE Select); the canonical splice donor site of the intron after coding-DNA position 2529, G replaced by A.
Molecular consequence: splice donor variant. On other transcripts: intron variant (1).
Genome position (GRCh38, 1-based): chr1:16,989,886, C>T on the plus strand (G>A on the coding strand, the complement: ATP13A2 is on the minus strand). VCF-style: chr1-16989886-C-T. GRCh37 (hg19) VCF-style: chr1-17316381-C-T.
Other names: c.2398-116G>A (NM_001141974.3); c.2514+1G>A (NM_001141973.3).
Identifiers: ClinVar variation 1029840 (VCV001029840.8), dbSNP rs776448394, ClinGen allele CA636815.

ClinVar aggregate classification (germline): Pathogenic/Likely pathogenic. Review status: criteria provided, multiple submitters, no conflicts (2 of 4 stars). 3 submissions from 3 submitters: Pathogenic (1); Likely pathogenic (2). Last evaluated 2024-03-21.

Conditions:
Autosomal recessive spastic paraplegia type 78. Identifiers: Orphanet 513436, MedGen C5567893, MONDO:0014975, OMIM 617225.
Kufor-Rakeb syndrome (KRS). Also called: PARKINSON DISEASE 9, AUTOSOMAL RECESSIVE, JUVENILE-ONSET. Identifiers: Orphanet 306674, Orphanet 314632, MedGen C1847640, MONDO:0011706, OMIM 606693.

Allele frequency attached by ClinVar (database versions not stated): ExAC 0.00001; gnomAD 0.00001; gnomAD exomes 0.00001; TOPMed 0.00001.
gnomAD v4.1: 8 of 1,605,784 alleles (0.0005%); highest among the groups gnomAD compares: Admixed American, 0.0052%; no homozygotes.

Submissions (3):

Labcorp Genetics (formerly Invitae), Labcorp
Classification: Pathogenic for Kufor-Rakeb syndrome; Autosomal recessive spastic paraplegia type 78. Last evaluated: 2024-03-21. Review status: criteria provided, single submitter. Criteria: Invitae Variant Classification Sherloc (09022015). Collection method: clinical testing. Allele origin: germline.
Comment: This sequence change affects a donor splice site in intron 22 of the ATP13A2 gene. It is expected to disrupt RNA splicing. Variants that disrupt the donor or acceptor splice site typically lead to a loss of protein function (PMID: 16199547), and loss-of-function variants in ATP13A2 are known to be pathogenic (PMID: 16964263, 21696388). This variant is present in population databases (rs776448394, gnomAD 0.006%). Disruption of this splice site has been observed in individual(s) with clinical features of hereditary spastic paraplegia (PMID: 33049588; Invitae). In at least one individual the data is consistent with being in trans (on the opposite chromosome) from a pathogenic variant. It has also been observed to segregate with disease in related individuals. ClinVar contains an entry for this variant (Variation ID: 1029840). Algorithms developed to predict the effect of sequence changes on RNA splicing suggest that this variant may disrupt the consensus splice site. For these reasons, this variant has been classified as Pathogenic.

Fulgent Genetics
Classification: Likely pathogenic for Kufor-Rakeb syndrome; Autosomal recessive spastic paraplegia type 78. Last evaluated: 2022-02-09. Review status: criteria provided, single submitter. Criteria: ACMG Guidelines, 2015. Collection method: clinical testing. Allele origin: unknown.

Baylor Genetics
Classification: Likely pathogenic for Kufor-Rakeb syndrome. Last evaluated: 2020-04-14. Review status: criteria provided, single submitter. Criteria: ACMG Guidelines, 2015. Collection method: clinical testing. Allele origin: unknown. Affected: yes.
Comment: This variant was determined to be likely pathogenic according to ACMG Guidelines, 2015 [PMID:25741868].

Literature cited by the submitters: PubMed 16199547 (cited by Labcorp Genetics (formerly Invitae), Labcorp); PubMed 16964263 (cited by Labcorp Genetics (formerly Invitae), Labcorp); PubMed 21696388 (cited by Labcorp Genetics (formerly Invitae), Labcorp); PubMed 33049588 (cited by Labcorp Genetics (formerly Invitae), Labcorp).